The following is an entry in ClinVar:

ClinVar aggregate classification (germline): Conflicting classifications of pathogenicity. Review status: criteria provided, conflicting classifications (1 of 4 stars). 3 submissions from 3 submitters: Uncertain significance (2); Likely benign (1). Last evaluated 2026-03-01.

Conditions:
Familial thoracic aortic aneurysm and aortic dissection (TAAD). Also called: Thoracic aortic aneurysms and dissections. Identifiers: Orphanet 91387, MedGen C4707243, MONDO:0019625.
Congenital contractural arachnodactyly (CCA). Also called: BEALS SYNDROME; Beals-Hecht syndrome; Arthrogryposis, distal, type 9. Identifiers: Orphanet 115, MedGen C0220668, MONDO:0007363, OMIM 121050.

gnomAD v4.1: 9 of 1,613,954 alleles (0.00056%); highest among the groups gnomAD compares: South Asian, 0.0011%; no homozygotes.

Submissions (3):

Ambry Genetics
Classification: Uncertain significance for Familial thoracic aortic aneurysm and aortic dissection. Last evaluated: 2026-03-01. Review status: criteria provided, single submitter. Criteria: Ambry Variant Classification Scheme 2023. Collection method: clinical testing. Allele origin: germline.
Comment: The p.R2267H variant (also known as c.6800G>A), located in coding exon 54 of the FBN2 gene, results from a G to A substitution at nucleotide position 6800. The arginine at codon 2267 is replaced by histidine, an amino acid with highly similar properties. This amino acid position is conserved. In addition, this alteration is predicted to be deleterious by in silico analysis. Based on the available evidence, the clinical significance of this variant remains unclear.

Labcorp Genetics (formerly Invitae), Labcorp
Classification: Likely benign for Congenital contractural arachnodactyly. Last evaluated: 2024-06-05. Review status: criteria provided, single submitter. Criteria: Invitae Variant Classification Sherloc (09022015). Collection method: clinical testing. Allele origin: germline.

GeneDx
Classification: Uncertain significance. Last evaluated: 2024-01-19. Review status: criteria provided, single submitter. Criteria: GeneDx Variant Classification Process June 2021. Collection method: clinical testing. Allele origin: germline. Affected: yes.
Comment: Not observed at significant frequency in large population cohorts (gnomAD); In silico analysis supports that this missense variant has a deleterious effect on protein structure/function; Has not been previously published as pathogenic or benign to our knowledge

NM_001999.4(FBN2):c.6800G>A (p.Arg2267His)

Gene: FBN2 (fibrillin 2; minus strand). Cytogenetic location: 5q23.3.
Variant type: single nucleotide variant.
Coding change: c.6800G>A on transcript NM_001999.4 (MANE Select); coding-DNA position 6800, G replaced by A.
Protein change: p.Arg2267His; replaces arginine 2267 with histidine.
Molecular consequence: missense variant.
Genome position (GRCh38, 1-based): chr5:128,287,388, C>T on the plus strand (G>A on the coding strand, the complement: FBN2 is on the minus strand). VCF-style: chr5-128287388-C-T. GRCh37 (hg19) VCF-style: chr5-127623080-C-T.
Other names: short protein forms R2267H.
Identifiers: ClinVar variation 3368059 (VCV003368059.4).